The following is an entry in ClinVar:

NM_001291303.3(FAT4):c.613A>G (p.Lys205Glu)

Gene: FAT4 (FAT atypical cadherin 4; plus strand). Cytogenetic location: 4q28.1.
Variant type: single nucleotide variant.
Coding change: c.613A>G on transcript NM_001291303.3 (MANE Select); coding-DNA position 613, A replaced by G.
Protein change: p.Lys205Glu; replaces lysine 205 with glutamic acid.
Molecular consequence: missense variant.
Genome position (GRCh38, 1-based): chr4:125,317,024, A>G. VCF-style: chr4-125317024-A-G. GRCh37 (hg19) VCF-style: chr4-126238179-A-G.
Other names: c.613A>G, p.Lys205Glu (NM_001291285.3, NM_024582.6); short protein forms K205E.
Identifiers: ClinVar variation 2124831 (VCV002124831.4), dbSNP rs2530422067, ClinGen allele CA358116165.

ClinVar aggregate classification (germline): Uncertain significance (1 of 4 stars; one submission).

Submission:

Labcorp Genetics (formerly Invitae), Labcorp
Classification: Uncertain significance. Last evaluated: 2022-08-16. Review status: criteria provided, single submitter. Criteria: Invitae Variant Classification Sherloc (09022015). Collection method: clinical testing. Allele origin: germline.
Comment: This variant is not present in population databases (gnomAD no frequency). This sequence change replaces lysine, which is basic and polar, with glutamic acid, which is acidic and polar, at codon 205 of the FAT4 protein (p.Lys205Glu). In summary, the available evidence is currently insufficient to determine the role of this variant in disease. Therefore, it has been classified as a Variant of Uncertain Significance. Advanced modeling of protein sequence and biophysical properties (such as structural, functional, and spatial information, amino acid conservation, physicochemical variation, residue mobility, and thermodynamic stability) performed at Invitae indicates that this missense variant is not expected to disrupt FAT4 protein function. This variant has not been reported in the literature in individuals affected with FAT4-related conditions.